The following is an entry in ClinVar:

ClinVar aggregate classification (germline): Benign/Likely benign. Review status: criteria provided, multiple submitters, no conflicts (2 of 4 stars). 4 submissions from 4 submitters: Benign (1); Likely benign (3). Last evaluated 2025-12-01.

Conditions:
Hereditary cancer-predisposing syndrome. Also called: Neoplastic Syndromes, Hereditary; Hereditary neoplastic syndrome; Tumor predisposition; Hereditary Cancer Syndrome. Identifiers: Orphanet 140162, MedGen C0027672, MeSH D009386, MONDO:0015356.
Ataxia-telangiectasia syndrome (AT). Also called: Ataxia-telangiectasia, complementation group D; AT, COMPLEMENTATION GROUP C; LOUIS-BAR SYNDROME; Ataxia telangiectasia (A-T); Cerebello-oculocutaneous telangiectasia; Immunodeficiency with ataxia telangiectasia. Identifiers: Orphanet 100, MedGen C0004135, MONDO:0008840, OMIM 208900.
Familial cancer of breast. Also called: Hereditary breast cancer; hereditary breast carcinoma; BREAST CANCER, FAMILIAL. Identifiers: Orphanet 227535, MedGen C0346153, MONDO:0016419, OMIM 114480. Disease mechanism: loss of function.

Submissions (4):

Labcorp Genetics (formerly Invitae), Labcorp
Classification: Likely benign for Ataxia-telangiectasia syndrome. Last evaluated: 2025-12-01. Review status: criteria provided, single submitter. Criteria: Invitae Variant Classification Sherloc (09022015). Collection method: clinical testing. Allele origin: germline.

Color Diagnostics, LLC DBA Color Health
Classification: Likely benign for Hereditary cancer-predisposing syndrome. Last evaluated: 2024-06-12. Review status: criteria provided, single submitter. Criteria: ACMG Guidelines, 2015. Collection method: clinical testing. Allele origin: germline.

Myriad Genetics, Inc.
Classification: Benign for Familial cancer of breast. Last evaluated: 2024-04-18. Review status: criteria provided, single submitter. Criteria: Myriad Autosomal Dominant, Autosomal Recessive and X-Linked Classification Criteria (2023). Collection method: clinical testing. Allele origin: unknown.
Comment: This variant is considered benign. This variant is a silent/synonymous amino acid change and it is not expected to impact splicing.

Ambry Genetics
Classification: Likely benign for Hereditary cancer-predisposing syndrome. Last evaluated: 2021-09-07. Review status: criteria provided, single submitter. Criteria: Ambry Variant Classification Scheme 2023. Collection method: clinical testing. Allele origin: germline.

NM_000051.4(ATM):c.249A>C (p.Ser83=)

Gene: ATM (ATM serine/threonine kinase; plus strand). Cytogenetic location: 11q22.3.
Variant type: single nucleotide variant.
Coding change: c.249A>C on transcript NM_000051.4 (MANE Select); coding-DNA position 249, A replaced by C.
Protein change: p.Ser83=; no amino-acid change (serine 83 retained).
Molecular consequence: synonymous variant.
Genome position (GRCh38, 1-based): chr11:108,229,241, A>C. VCF-style: chr11-108229241-A-C. GRCh37 (hg19) VCF-style: chr11-108099968-A-C.
Other names: c.249A>C, p.Ser83= (NM_001351834.2, NM_001351835.2, NM_001351836.2).
Identifiers: ClinVar variation 793806 (VCV000793806.12), dbSNP rs1591451851, ClinGen allele CA476668248.